The following is an entry in ClinVar:

ClinVar aggregate classification (germline): Conflicting classifications of pathogenicity. Review status: criteria provided, conflicting classifications (1 of 4 stars). 7 submissions from 7 submitters: Pathogenic (1); Likely pathogenic (1); Uncertain significance (4). 1 of the submissions does not count toward it. Last evaluated 2025-04-02.

Conditions:
TRPC6-related disorder. Also called: TRPC6-related condition.
Focal segmental glomerulosclerosis 2 (FSGS2). Identifiers: Orphanet 656, MedGen C1858915, MONDO:0011390, OMIM 603965.

Allele frequency attached by ClinVar (database versions not stated): ExAC 0.00001; gnomAD 0.00001; gnomAD exomes 0.00001; TOPMed 0.00001.

Submissions (7):

Victorian Clinical Genetics Services, Murdoch Childrens Research Institute
Classification: Pathogenic for Focal segmental glomerulosclerosis 2. Last evaluated: 2025-04-02. Review status: criteria provided, single submitter. Criteria: ACMG Guidelines, 2015. Collection method: clinical testing. Allele origin: germline. Affected: yes.
Comment: This variant is classified as Pathogenic. Evidence in support of pathogenic classification: Variant is present in gnomAD <0.001 for a dominant condition (v4: 6 heterozygote(s), 0 homozygote(s)); This variant has strong previous evidence of pathogenicity in unrelated individuals. This variant has been classified as a VUS and as likely pathogenic by clinical laboratories in ClinVar and observed in individuals with focal segmental glomerulosclerosis and chronic kidney disease (personal communication). It has also been reported in the literature in individuals with FSGS (PMID: 30586318, 38315264, 39352759); Missense variant predicted to be damaging by in silico tool(s) or highly conserved with a major amino acid change. Additional information: Variant is predicted to result in a missense amino acid change from arginine to tryptophan; This variant is heterozygous; This gene is associated with autosomal dominant disease; No published functional evidence has been identified for this variant; Variant is not located in an established domain, motif, hotspot or informative constraint region; Gain of function is a known mechanism of disease in this gene and is associated with glomerulosclerosis, focal segmental, 2 (MIM#603965). Reported variants are associated with current amplitude amplification and/or delay of the channel inactivation which results in a gain of function mechanism (PMID: 15879175, 32509715, 31266820); Inheritance information for this variant is not currently available in this individual.

PreventionGenetics, part of Exact Sciences
Classification: Likely pathogenic for TRPC6-related condition. Last evaluated: 2025-01-23. Review status: criteria provided, single submitter. Criteria: ACMG Guidelines, 2015. Collection method: clinical testing. Allele origin: germline.
Comment: The TRPC6 c.643C>T variant is predicted to result in the amino acid substitution p.Arg215Trp. This variant has been reported in individuals with focal segmental glomerulosclerosis (FSGS) (Patient CKD201 indicated co-segregation with disease in Table S7, Groopman et al. 2018. PubMed ID: 30586318; Table S3, Nagano et al. 2022. PubMed ID: 36176665; Yu et al. 2024. PubMed ID: 38315264). This variant is reported in 0.0054% of alleles in individuals of East Asian descent in gnomAD. Taken together, this variant is interpreted as likely pathogenic.

Fulgent Genetics
Classification: Uncertain significance for Focal segmental glomerulosclerosis 2. Last evaluated: 2024-02-12. Review status: criteria provided, single submitter. Criteria: ACMG Guidelines, 2015. Collection method: clinical testing. Allele origin: germline.

Labcorp Genetics (formerly Invitae), Labcorp
Classification: Uncertain significance. Last evaluated: 2023-03-03. Review status: criteria provided, single submitter. Criteria: Invitae Variant Classification Sherloc (09022015). Collection method: clinical testing. Allele origin: germline.
Comment: In summary, the available evidence is currently insufficient to determine the role of this variant in disease. Therefore, it has been classified as a Variant of Uncertain Significance. This missense change has been observed in individual(s) with clinical features of TRPC6-related conditions (PMID: 30586318). ClinVar contains an entry for this variant (Variation ID: 562374). Advanced modeling of protein sequence and biophysical properties (such as structural, functional, and spatial information, amino acid conservation, physicochemical variation, residue mobility, and thermodynamic stability) has been performed at Invitae for this missense variant, however the output from this modeling did not meet the statistical confidence thresholds required to predict the impact of this variant on TRPC6 protein function. This variant is present in population databases (rs768210838, gnomAD 0.006%). This sequence change replaces arginine, which is basic and polar, with tryptophan, which is neutral and slightly polar, at codon 215 of the TRPC6 protein (p.Arg215Trp).

Blueprint Genetics
Classification: Uncertain significance. Last evaluated: 2019-04-24. Review status: criteria provided, single submitter. Criteria: ACMG Guidelines, 2015. Collection method: clinical testing. Allele origin: germline.

Athena Diagnostics
Classification: Uncertain significance. Last evaluated: 2018-11-29. Review status: criteria provided, single submitter. Criteria: Athena Diagnostics Criteria. Collection method: clinical testing. Allele origin: germline.

Gharavi Laboratory, Columbia University
Classification: Likely pathogenic. Last evaluated: 2018-09-16. Review status: no assertion criteria provided. Criteria: ACMG Guidelines, 2015. Collection method: research. Allele origin: germline. Affected: yes. Not counted in ClinVar's aggregate classification.

Literature cited by the submitters: PubMed 15879175 (cited by Victorian Clinical Genetics Services, Murdoch Childrens Research Institute); PubMed 39352759 (cited by Victorian Clinical Genetics Services, Murdoch Childrens Research Institute); PubMed 30586318 (cited by Victorian Clinical Genetics Services, Murdoch Childrens Research Institute and Labcorp Genetics (formerly Invitae), Labcorp); PubMed 38315264 (cited by Victorian Clinical Genetics Services, Murdoch Childrens Research Institute); PubMed 31266820 (cited by Victorian Clinical Genetics Services, Murdoch Childrens Research Institute); PubMed 32509715 (cited by Victorian Clinical Genetics Services, Murdoch Childrens Research Institute).

NM_004621.6(TRPC6):c.643C>T (p.Arg215Trp)

Gene: TRPC6 (transient receptor potential cation channel subfamily C member 6; minus strand). Cytogenetic location: 11q22.1.
Variant type: single nucleotide variant.
Coding change: c.643C>T on transcript NM_004621.6 (MANE Select); coding-DNA position 643, C replaced by T.
Protein change: p.Arg215Trp; replaces arginine 215 with tryptophan.
Molecular consequence: missense variant.
Genome position (GRCh38, 1-based): chr11:101,504,326, G>A on the plus strand (C>T on the coding strand, the complement: TRPC6 is on the minus strand). VCF-style: chr11-101504326-G-A. GRCh37 (hg19) VCF-style: chr11-101375057-G-A.
Other names: short protein forms R215W.
Identifiers: ClinVar variation 562374 (VCV000562374.12), dbSNP rs768210838, ClinGen allele CA6244485.
Genomic context (GRCh38, chr11:101,504,326, plus strand): 5'-CAATTTCATATTCCTGGCAGTGGGCAGCCAGAATGATTGGAGTCACATCATGGGAGAACC[G>A]TGTCCCATCTTCATCATAGGCATAAAAATCATCTTGCTGGAGTTCAGACTGGCTAGGGCT-3'
Protein context (NP_004612.2, residues 205-225): DFYAYDEDGT[Arg215Trp]FSHDVTPIIL